The following is an entry in ClinVar:

NM_000257.4(MYH7):c.3368A>T (p.Glu1123Val)

Gene: MYH7 (myosin heavy chain 7; minus strand). Cytogenetic location: 14q11.2.
Variant type: single nucleotide variant.
Coding change: c.3368A>T on transcript NM_000257.4 (MANE Select); coding-DNA position 3368, A replaced by T.
Protein change: p.Glu1123Val; replaces glutamic acid 1123 with valine.
Molecular consequence: missense variant.
Genome position (GRCh38, 1-based): chr14:23,420,203, T>A on the plus strand (A>T on the coding strand, the complement: MYH7 is on the minus strand). VCF-style: chr14-23420203-T-A. GRCh37 (hg19) VCF-style: chr14-23889412-T-A.
Other names: c.3368A>T, p.Glu1123Val (NM_001407004.1); short protein forms E1123V.
Identifiers: ClinVar variation 4801931 (VCV004801931.1).
Genomic context (GRCh38, chr14:23,420,203, plus strand): 5'-AGCTCCCGAGACAGGTCTGAGCGCAGCTTCTCCACCTTAGCCCTGGCGGTGCGCTCGGCC[T>A]CCAGCTCCTCCTCCAGCTCCTCGATGCGTGCCTGGTCAGACACAAAGGGCTCAGACCCAC-3'
Protein context (NP_000248.2, residues 1113-1133): ARIEELEEEL[Glu1123Val]AERTARAKVE

ClinVar aggregate classification (germline): Uncertain significance (1 of 4 stars; one submission).

Conditions:
Hypertrophic cardiomyopathy. Also called: HYPERTROPHIC MYOCARDIOPATHY. Identifiers: Orphanet 217569, MedGen C0007194, MeSH D002312, MONDO:0005045, HP:0001639.

Submission:

Labcorp Genetics (formerly Invitae), Labcorp
Classification: Uncertain significance for Hypertrophic cardiomyopathy. Last evaluated: 2025-08-20. Review status: criteria provided, single submitter. Criteria: Invitae Variant Classification Sherloc (09022015). Collection method: clinical testing. Allele origin: germline.
Comment: This sequence change replaces glutamic acid, which is acidic and polar, with valine, which is neutral and non-polar, at codon 1123 of the MYH7 protein (p.Glu1123Val). This variant is not present in population databases (gnomAD no frequency). This variant has not been reported in the literature in individuals affected with MYH7-related conditions. Invitae Evidence Modeling of protein sequence and biophysical properties (such as structural, functional, and spatial information, amino acid conservation, physicochemical variation, residue mobility, and thermodynamic stability) indicates that this missense variant is expected to disrupt MYH7 protein function with a positive predictive value of 95%. This variant disrupts the p.Glu1123 amino acid residue in MYH7. Other variant(s) that disrupt this residue have been determined to be pathogenic (PMID: 27483260, 31323898). This suggests that this residue is clinically significant, and that variants that disrupt this residue are likely to be disease-causing. In summary, the available evidence is currently insufficient to determine the role of this variant in disease. Therefore, it has been classified as a Variant of Uncertain Significance.

Literature cited by the submitters: PubMed 27483260; PubMed 31323898.